The following is an entry in ClinVar:

NM_203446.3(SYNJ1):c.3439G>A (p.Ala1147Thr)

Gene: SYNJ1 (synaptojanin 1; minus strand). Cytogenetic location: 21q22.11.
Variant type: single nucleotide variant.
Coding change: c.3439G>A on transcript NM_203446.3 (MANE Select); coding-DNA position 3439, G replaced by A.
Protein change: p.Ala1147Thr; replaces alanine 1147 with threonine.
Molecular consequence: missense variant. On other transcripts: intron variant (2).
Genome position (GRCh38, 1-based): chr21:32,643,449, C>T on the plus strand (G>A on the coding strand, the complement: SYNJ1 is on the minus strand). VCF-style: chr21-32643449-C-T. GRCh37 (hg19) VCF-style: chr21-34015759-C-T.
Other names: c.3556G>A, p.Ala1186Thr (NM_003895.4); c.3431-1316G>A (NM_001160302.2); c.3377-1483G>A (NM_001160306.2); c.3556G>A (NM_003895.3); short protein forms A1186T, A1147T.
Identifiers: ClinVar variation 2936614 (VCV002936614.4), dbSNP rs2517409747, ClinGen allele CA410066989.
Genomic context (GRCh38, chr21:32,643,449, plus strand): 5'-ATAATGCAAGAGTCTTGTTACCTTCCATCTCTCTCCTAGCTACCCCAGGACTGGGAGGGG[C>T]TCCAATACCTTTTTAGAGAAAGAACAGAAACTATATATTGTTCAGGGCCCACAGCACAGA-3'
Protein context (NP_982271.3, residues 1137-1157): PTRKEFGGIG[Ala1147Thr]PPSPGVARRE

ClinVar aggregate classification (germline): Uncertain significance. Review status: criteria provided, multiple submitters, no conflicts (2 of 4 stars). 2 submissions from 2 submitters: Uncertain significance (2). Last evaluated 2024-12-23.

Conditions:
Inborn genetic diseases. Identifiers: MedGen C0950123, MeSH D030342.
Early-onset Parkinson disease 20. Also called: PARKINSON DISEASE 20, AUTOSOMAL RECESSIVE EARLY-ONSET. Identifiers: Orphanet 391411, MedGen C3809824, MONDO:0014233, OMIM 615530.
Developmental and epileptic encephalopathy, 53. Also called: Epileptic encephalopathy, early infantile, 53. Identifiers: MedGen C4479313, MONDO:0033362, OMIM 617389.

gnomAD v4.1: 1 of 1,613,586 alleles (0.000062%); highest among the groups gnomAD compares: Non-Finnish European, 0.000085%; no homozygotes.

Submissions (2):

Ambry Genetics
Classification: Uncertain significance for Inborn genetic diseases. Last evaluated: 2024-12-23. Review status: criteria provided, single submitter. Criteria: Ambry Variant Classification Scheme 2023. Collection method: clinical testing. Allele origin: germline.

Labcorp Genetics (formerly Invitae), Labcorp
Classification: Uncertain significance for Developmental and epileptic encephalopathy, 53; Early-onset Parkinson disease 20. Last evaluated: 2023-10-26. Review status: criteria provided, single submitter. Criteria: Invitae Variant Classification Sherloc (09022015). Collection method: clinical testing. Allele origin: germline.
Comment: This sequence change replaces alanine, which is neutral and non-polar, with threonine, which is neutral and polar, at codon 1186 of the SYNJ1 protein (p.Ala1186Thr). This variant is not present in population databases (gnomAD no frequency). This variant has not been reported in the literature in individuals affected with SYNJ1-related conditions. An algorithm developed to predict the effect of missense changes on protein structure and function (PolyPhen-2) suggests that this variant is likely to be disruptive. In summary, the available evidence is currently insufficient to determine the role of this variant in disease. Therefore, it has been classified as a Variant of Uncertain Significance.